The following is an entry in ClinVar:

ClinVar aggregate classification (germline): Uncertain significance (1 of 4 stars; one submission).

Conditions:
Hereditary spastic paraplegia 75. Also called: Spastic paraplegia 75, autosomal recessive. Identifiers: Orphanet 459056, MedGen C4225250, MONDO:0014729, OMIM 616680.

Allele frequency attached by ClinVar (database versions not stated): gnomAD exomes below 0.00001.

Submission:

Labcorp Genetics (formerly Invitae), Labcorp
Classification: Uncertain significance for Hereditary spastic paraplegia 75. Last evaluated: 2022-08-09. Review status: criteria provided, single submitter. Criteria: Invitae Variant Classification Sherloc (09022015). Collection method: clinical testing. Allele origin: germline.
Comment: This sequence change replaces glutamic acid, which is acidic and polar, with lysine, which is basic and polar, at codon 572 of the MAG protein (p.Glu572Lys). This variant is present in population databases (no rsID available, gnomAD 0.003%). This variant has not been reported in the literature in individuals affected with MAG-related conditions. In summary, the available evidence is currently insufficient to determine the role of this variant in disease. Therefore, it has been classified as a Variant of Uncertain Significance. Algorithms developed to predict the effect of missense changes on protein structure and function are either unavailable or do not agree on the potential impact of this missense change (SIFT: "Tolerated"; PolyPhen-2: "Possibly Damaging"; Align-GVGD: "Class C0"). ClinVar contains an entry for this variant (Variation ID: 1433959).

NM_002361.4(MAG):c.1714G>A (p.Glu572Lys)

Gene: MAG (myelin associated glycoprotein; plus strand). Cytogenetic location: 19q13.12.
Variant type: single nucleotide variant.
Coding change: c.1714G>A on transcript NM_002361.4 (MANE Select); coding-DNA position 1714, G replaced by A.
Protein change: p.Glu572Lys; replaces glutamic acid 572 with lysine.
Molecular consequence: missense variant.
Genome position (GRCh38, 1-based): chr19:35,312,015, G>A. VCF-style: chr19-35312015-G-A. GRCh37 (hg19) VCF-style: chr19-35802918-G-A.
Other names: c.1639G>A, p.Glu547Lys (NM_001199216.2); c.1714G>A, p.Glu572Lys (NM_080600.3); short protein forms E547K, E572K.
Identifiers: ClinVar variation 1433959 (VCV001433959.6), dbSNP rs1286617721, ClinGen allele CA405318289.